The following is an entry in ClinVar:

NM_000202.8(IDS):c.1007-133A>G

Genes: IDS (iduronate 2-sulfatase; minus strand), LOC106050102 (IDS recombination region; plus strand). Cytogenetic location: Xq28.
Variant type: single nucleotide variant.
Coding change: c.1007-133A>G on transcript NM_000202.8 (MANE Select); 133 bases into the intron before coding-DNA position 1007, A replaced by G.
Molecular consequence: intron variant. On other transcripts: 3 prime UTR variant (1), non-coding transcript variant (1).
Genome position (GRCh38, 1-based): chrX:149,487,231, T>C on the plus strand (A>G on the coding strand, the complement: IDS is on the minus strand). VCF-style: chrX-149487231-T-C. GRCh37 (hg19) VCF-style: chrX-148568762-T-C.
Other names: c.*57A>G (NM_006123.5); c.737-133A>G (NM_001166550.4).
Identifiers: ClinVar variation 10499 (VCV000010499.8), dbSNP rs2124007227, ClinGen allele CA2573159291.

ClinVar aggregate classification (germline): Likely pathogenic. Review status: criteria provided, multiple submitters, no conflicts (2 of 4 stars). 3 submissions from 3 submitters: Likely pathogenic (2). 1 of the submissions does not count toward it. Last evaluated 2024-06-07.

Conditions:
Mucopolysaccharidosis, MPS-II (MPS2). Also called: Mucopolysaccharidosis with skin involvement; Mucopolysaccharidosis type 2; Mucopolysaccharidosis Type II; SIDS deficiency; IDS deficiency; Sulfoiduronate sulfatase deficiency. Identifiers: Orphanet 580, Orphanet 79388, MedGen C0026705, MONDO:0010674, OMIM 309900.
Mucopolysaccharidosis, type II, mild form. Identifiers: MedGen C0342842.

Submissions (3):

Laboratory of Diagnosis and Therapy of Lysosomal Disorders, University of Padova
Classification: Likely pathogenic for Mucopolysaccharidosis, MPS-II. Last evaluated: 2024-06-07. Review status: criteria provided, single submitter. Criteria: ACMG Guidelines, 2015. Collection method: literature only. Allele origin: germline. Affected: yes. Observed: 2 variant alleles.
Comment: In vitro or in vivo functional studies supportive of a damaging effect (PS3_Moderate), Absent from controls (or at low frequency) in gnomAD database (PM2_Moderate), Patient’s phenotype or family history highly specific for the disease (PP4_Moderate)

Classification method: ACMG Guidelines [PMID:25741868] with modifications

Labcorp Genetics (formerly Invitae), Labcorp
Classification: Likely pathogenic for Mucopolysaccharidosis, MPS-II. Last evaluated: 2022-08-19. Review status: criteria provided, single submitter. Criteria: Invitae Variant Classification Sherloc (09022015). Collection method: clinical testing. Allele origin: germline.
Comment: This sequence change falls in intron 7 of the IDS gene. It does not directly change the encoded amino acid sequence of the IDS protein. RNA analysis indicates that this variant induces altered splicing and may result in an absent or disrupted protein product. The frequency data for this variant in the population databases is considered unreliable, as metrics indicate insufficient coverage at this position in the gnomAD database. This variant has been observed in individual(s) with Mucopolysaccharidosis II (PMID: 8940265, 24515576). This variant is also known as 1131-133A>G and IVS7+3083A>G. ClinVar contains an entry for this variant (Variation ID: 10499). Studies have shown that this variant results in activation of a cryptic splice site and introduces a premature termination codon (PMID: 8940265). The resulting mRNA is expected to undergo nonsense-mediated decay. In summary, the currently available evidence indicates that the variant is pathogenic, but additional data are needed to prove that conclusively. Therefore, this variant has been classified as Likely Pathogenic.

OMIM
Classification: Pathogenic for MUCOPOLYSACCHARIDOSIS, TYPE II, MILD FORM. Last evaluated: 1996-12-01. Review status: no assertion criteria provided. Collection method: literature only. Allele origin: germline. Not counted in ClinVar's aggregate classification.

Literature cited by the submitters: PubMed 24515576 (cited by Laboratory of Diagnosis and Therapy of Lysosomal Disorders, University of Padova and Labcorp Genetics (formerly Invitae), Labcorp); PubMed 8940265 (cited by 3 submitters).